The following is an entry in ClinVar:

ClinVar aggregate classification (germline): Uncertain significance. Review status: criteria provided, multiple submitters, no conflicts (2 of 4 stars). 2 submissions from 2 submitters: Uncertain significance (2). Last evaluated 2025-11-10.

Conditions:
Hereditary cancer-predisposing syndrome. Also called: Hereditary Cancer Syndrome; Tumor predisposition; Hereditary neoplastic syndrome; Neoplastic Syndromes, Hereditary. Identifiers: Orphanet 140162, MedGen C0027672, MeSH D009386, MONDO:0015356.
Birt-Hogg-Dube syndrome. Also called: Birt Hogg Dubé syndrome. Identifiers: Orphanet 122, MedGen C0346010, MONDO:0800444.

Allele frequency attached by ClinVar (database versions not stated): gnomAD exomes below 0.00001; TOPMed below 0.00001; ExAC 0.00001.
gnomAD v4.1: 2 of 1,614,204 alleles (0.00012%); highest among the groups gnomAD compares: Admixed American, 0.0017%; no homozygotes.

Submissions (2):

Labcorp Genetics (formerly Invitae), Labcorp
Classification: Uncertain significance for Birt-Hogg-Dube syndrome. Last evaluated: 2025-11-10. Review status: criteria provided, single submitter. Criteria: Invitae Variant Classification Sherloc (09022015). Collection method: clinical testing. Allele origin: germline.
Comment: This sequence change replaces threonine, which is neutral and polar, with isoleucine, which is neutral and non-polar, at codon 573 of the FLCN protein (p.Thr573Ile). This variant is present in population databases (rs753313171, gnomAD 0.003%). This variant has not been reported in the literature in individuals affected with FLCN-related conditions. ClinVar contains an entry for this variant (Variation ID: 1052892). An algorithm developed to predict the effect of missense changes on protein structure and function outputs the following: PolyPhen-2: "Benign". The isoleucine amino acid residue is found in multiple mammalian species, which suggests that this missense change does not adversely affect protein function. In summary, the available evidence is currently insufficient to determine the role of this variant in disease. Therefore, it has been classified as a Variant of Uncertain Significance.

Ambry Genetics
Classification: Uncertain significance for Hereditary cancer-predisposing syndrome. Last evaluated: 2025-01-14. Review status: criteria provided, single submitter. Criteria: Ambry Variant Classification Scheme 2023. Collection method: clinical testing. Allele origin: germline.
Comment: The p.T573I variant (also known as c.1718C>T), located in coding exon 11 of the FLCN gene, results from a C to T substitution at nucleotide position 1718. The threonine at codon 573 is replaced by isoleucine, an amino acid with similar properties. This amino acid position is not well conserved in available vertebrate species. In addition, this alteration is predicted to be tolerated by in silico analysis. Based on the available evidence, the clinical significance of this variant remains unclear.

NM_144997.7(FLCN):c.1718C>T (p.Thr573Ile)

Gene: FLCN (folliculin; minus strand). Cytogenetic location: 17p11.2.
Variant type: single nucleotide variant.
Coding change: c.1718C>T on transcript NM_144997.7 (MANE Select); coding-DNA position 1718, C replaced by T.
Protein change: p.Thr573Ile; replaces threonine 573 with isoleucine.
Molecular consequence: missense variant.
Genome position (GRCh38, 1-based): chr17:17,213,677, G>A on the plus strand (C>T on the coding strand, the complement: FLCN is on the minus strand). VCF-style: chr17-17213677-G-A. GRCh37 (hg19) VCF-style: chr17-17116991-G-A.
Other names: c.1718C>T (NM_144997.5); c.1772C>T, p.Thr591Ile (NM_001353229.2); c.1718C>T, p.Thr573Ile (NM_001353230.2, NM_001353231.2); short protein forms T573I, T591I.
Identifiers: ClinVar variation 1052892 (VCV001052892.6), dbSNP rs753313171, ClinGen allele CA8415909.
Genomic context (GRCh38, chr17:17,213,677, plus strand): 5'-ACAGCCATCCCTGTCTTTAGGCAGGTGTGTGTGACGGGTCAGTTCCGAGACTCCGAGGCT[G>A]TGGGGCTGCGGACCGTGGACATGAGGTGTGACTTGTAGGTCTTGCTCAGGCCAGTCATCC-3'
Protein context (NP_659434.2, residues 563-579): SHLMSTVRSP[Thr573Ile]ASESRN